The following is an entry in ClinVar:

ClinVar aggregate classification (germline): Likely benign (1 of 4 stars; one submission).

Submission:

CeGaT Center for Human Genetics Tuebingen
Classification: Likely benign. Last evaluated: 2025-04-01. Review status: criteria provided, single submitter. Criteria: CeGaT Center For Human Genetics Tuebingen Variant Classification Criteria Version 2. Collection method: clinical testing. Allele origin: germline. Affected: yes. Observed: 1 variant allele.
Comment: MAIP1: BS1

NM_001394955.1(MAIP1):c.719dup (p.Leu240fs)

Gene: MAIP1 (matrix AAA peptidase interacting protein 1; plus strand). Cytogenetic location: 2q33.1.
Variant type: Duplication.
Coding change: c.719dup on transcript NM_001394955.1 (MANE Select); coding-DNA position 719, one base duplicated (T; older notation c.719dupT).
Protein change: p.Leu240fs; shifts the reading frame from leucine 240.
Molecular consequence: frameshift variant. On other transcripts: intron variant (1).
Genome position (GRCh38, 1-based): chr2:199,961,850, T duplicated; the last of 3 consecutive T bases (chr2:199,961,848-199,961,850); duplicating any one gives the same sequence. VCF-style (leftmost placement, unchanged base first): chr2-199961847-C-CT. GRCh37 (hg19) VCF-style: chr2-200826570-C-CT.
Other names: c.719dup, p.Leu240fs (NM_024520.3); c.650-1883dup (NM_001369399.1); short protein forms L240fs.
Identifiers: ClinVar variation 3898234 (VCV003898234.7).